The following is an entry in ClinVar:

NM_024665.7(TBL1XR1):c.1195T>A (p.Trp399Arg)

Gene: TBL1XR1 (TBL1X/Y related 1; minus strand). Cytogenetic location: 3q26.32.
Variant type: single nucleotide variant.
Coding change: c.1195T>A on transcript NM_024665.7 (MANE Select); coding-DNA position 1195, T replaced by A.
Protein change: p.Trp399Arg; replaces tryptophan 399 with arginine.
Molecular consequence: missense variant.
Genome position (GRCh38, 1-based): chr3:177,034,253, A>T on the plus strand (T>A on the coding strand, the complement: TBL1XR1 is on the minus strand). VCF-style: chr3-177034253-A-T. GRCh37 (hg19) VCF-style: chr3-176752041-A-T.
Other names: c.1195T>A, p.Trp399Arg (NM_001321193.3, NM_001321194.3, NM_001374327.1 and 2 more transcripts); c.934T>A, p.Trp312Arg (NM_001321195.3, NM_001374330.1); short protein forms W312R, W399R.
Identifiers: ClinVar variation 1453577 (VCV001453577.8), dbSNP rs2108414262, ClinGen allele CA355554688.

ClinVar aggregate classification (germline): Pathogenic (1 of 4 stars; one submission).

Conditions:
Pierpont syndrome (PRPTS). Identifiers: Orphanet 487825, MedGen C1865644, MONDO:0011213, OMIM 602342.

Submission:

Labcorp Genetics (formerly Invitae), Labcorp
Classification: Pathogenic for Pierpont syndrome. Last evaluated: 2021-09-03. Review status: criteria provided, single submitter. Criteria: Invitae Variant Classification Sherloc (09022015). Collection method: clinical testing. Allele origin: germline.
Comment: For these reasons, this variant has been classified as Pathogenic. Algorithms developed to predict the effect of sequence changes on RNA splicing suggest that this variant may create or strengthen a splice site. Advanced modeling of protein sequence and biophysical properties (such as structural, functional, and spatial information, amino acid conservation, physicochemical variation, residue mobility, and thermodynamic stability) performed at Invitae indicates that this missense variant is expected to disrupt TBL1XR1 protein function. This variant has been observed in individual(s) with TBL1XR1-related conditions (Invitae). In at least one individual the variant was observed to be de novo. This variant is not present in population databases (ExAC no frequency). This sequence change replaces tryptophan with arginine at codon 399 of the TBL1XR1 protein (p.Trp399Arg). The tryptophan residue is highly conserved and there is a moderate physicochemical difference between tryptophan and arginine.